The following is an entry in ClinVar:

ClinVar aggregate classification (germline): Uncertain significance (1 of 4 stars; one submission).

Conditions:
Developmental and epileptic encephalopathy, 1 (DEE1). Also called: INFANTILE SPASM SYNDROME, X-LINKED 1; X-linked infantile spasms; West's syndrome; Tonic spasms with clustering, arrest of psychomotor development and hypsarrhythmia on EEG; X-Linked Infantile Spasm Syndrome; OHTAHARA SYNDROME, X-LINKED. Identifiers: MedGen C3463992, MONDO:0010632, OMIM 308350. Disease mechanism: loss of function.
Intellectual disability, X-linked, with or without seizures, ARX-related. Also called: MENTAL RETARDATION, X-LINKED 29; MENTAL RETARDATION, X-LINKED 32; MENTAL RETARDATION, X-LINKED 33; MENTAL RETARDATION, X-LINKED 38; MENTAL RETARDATION, X-LINKED 43; MENTAL RETARDATION, X-LINKED 76. Identifiers: Orphanet 777, MedGen C0796244, MONDO:0010317, OMIM 300419.

Allele frequency attached by ClinVar (database versions not stated): gnomAD exomes below 0.00001; TOPMed 0.00002.
gnomAD v4.1: 1 of 1,159,251 alleles (0.000086%); highest among the groups gnomAD compares: Non-Finnish European, 0.00011%; no homozygotes.

Submission:

Labcorp Genetics (formerly Invitae), Labcorp
Classification: Uncertain significance for Developmental and epileptic encephalopathy, 1; Intellectual disability, X-linked, with or without seizures, ARX-related. Last evaluated: 2025-04-09. Review status: criteria provided, single submitter. Criteria: Invitae Variant Classification Sherloc (09022015). Collection method: clinical testing. Allele origin: germline.
Comment: This sequence change replaces alanine, which is neutral and non-polar, with threonine, which is neutral and polar, at codon 256 of the ARX protein (p.Ala256Thr). This variant is not present in population databases (gnomAD no frequency). This variant has not been reported in the literature in individuals affected with ARX-related conditions. ClinVar contains an entry for this variant (Variation ID: 1497051). Invitae Evidence Modeling of protein sequence and biophysical properties (such as structural, functional, and spatial information, amino acid conservation, physicochemical variation, residue mobility, and thermodynamic stability) indicates that this missense variant is not expected to disrupt ARX protein function with a negative predictive value of 80%. In summary, the available evidence is currently insufficient to determine the role of this variant in disease. Therefore, it has been classified as a Variant of Uncertain Significance.

NM_139058.3(ARX):c.766G>A (p.Ala256Thr)

Gene: ARX (aristaless related homeobox; minus strand). Cytogenetic location: Xp21.3.
Variant type: single nucleotide variant.
Coding change: c.766G>A on transcript NM_139058.3 (MANE Select); coding-DNA position 766, G replaced by A.
Protein change: p.Ala256Thr; replaces alanine 256 with threonine.
Molecular consequence: missense variant.
Genome position (GRCh38, 1-based): chrX:25,013,229, C>T on the plus strand (G>A on the coding strand, the complement: ARX is on the minus strand). VCF-style: chrX-25013229-C-T. GRCh37 (hg19) VCF-style: chrX-25031346-C-T.
Other names: short protein forms A256T.
Identifiers: ClinVar variation 1497051 (VCV001497051.6), dbSNP rs769056463, ClinGen allele CA10373881.